The following is an entry in ClinVar:

ClinVar aggregate classification (germline): Likely pathogenic (1 of 4 stars; one submission).

Conditions:
Cystic fibrosis (CF). Also called: MUCOVISCIDOSIS. Identifiers: Orphanet 586, MedGen C0010674, MONDO:0009061, OMIM 219700. Disease mechanism: loss of function.

Submission:

Myriad Genetics, Inc.
Classification: Likely pathogenic for Cystic fibrosis. Last evaluated: 2022-01-02. Review status: criteria provided, single submitter. Criteria: Myriad Women's Health Autosomal Recessive and X-Linked Classification Criteria (2021). Collection method: clinical testing. Allele origin: unknown.
Comment: NM_000492.3(CFTR):c.283A>T(K95*) is expected to be pathogenic in the context of cystic fibrosis. This variant is predicted to lead to an abnormal or absent protein product due to the creation of a premature termination codon in CFTR, a gene where loss-of-function variants are known to be pathogenic. Please note: this variant was assessed in the context of healthy population screening.

NM_000492.4(CFTR):c.283A>T (p.Lys95Ter)

Gene: CFTR (CF transmembrane conductance regulator; plus strand). Cytogenetic location: 7q31.2.
Variant type: single nucleotide variant.
Coding change: c.283A>T on transcript NM_000492.4 (MANE Select); coding-DNA position 283, A replaced by T.
Protein change: p.Lys95Ter; replaces lysine 95 with a stop codon.
Molecular consequence: nonsense.
Genome position (GRCh38, 1-based): chr7:117,530,908, A>T. VCF-style: chr7-117530908-A-T. GRCh37 (hg19) VCF-style: chr7-117170962-A-T.
Other names: short protein forms K95*.
Identifiers: ClinVar variation 1726826 (VCV001726826.2), dbSNP rs2485008844, ClinGen allele CA368974210.
Genomic context (GRCh38, chr7:117,530,908, plus strand): 5'-TTTTATGAGAAATAAATGAAATTTAATTTCTCTGTTTTTCCCCTTTTGTAGGAAGTCACC[A>T]AAGCAGTACAGCCTCTCTTACTGGGAAGAATCATAGCTTCCTATGACCCGGATAACAAGG-3'